The following is an entry in ClinVar:

ClinVar aggregate classification (germline): Uncertain significance (1 of 4 stars; one submission).

Submission:

Laboratory for Molecular Medicine, Mass General Brigham Personalized Medicine
Classification: Uncertain significance. Last evaluated: 2017-09-06. Review status: criteria provided, single submitter. Criteria: LMM Criteria. Collection method: clinical testing. Allele origin: germline. Observed: 1 variant allele.
Comment: Exome - Gene-disease association with microcephaly does not meet reporting crite ria

NM_018451.5(CPAP):c.3217-2A>G

Gene: CPAP (centrosome assembly and centriole elongation protein; minus strand). Cytogenetic location: 13q12.12.
Variant type: single nucleotide variant.
Coding change: c.3217-2A>G on transcript NM_018451.5 (MANE Select); the canonical splice acceptor site of the intron before coding-DNA position 3217, A replaced by G.
Molecular consequence: splice acceptor variant.
Genome position (GRCh38, 1-based): chr13:24,889,402, T>C on the plus strand (A>G on the coding strand, the complement: CPAP is on the minus strand). VCF-style: chr13-24889402-T-C. GRCh37 (hg19) VCF-style: chr13-25463540-T-C.
Identifiers: ClinVar variation 505071 (VCV000505071.4), dbSNP rs1555295400, ClinGen allele CA387579757.